The following is an entry in ClinVar:

ClinVar aggregate classification (germline): Uncertain significance (1 of 4 stars; one submission).

Allele frequency attached by ClinVar (database versions not stated): TOPMed 0.00006; gnomAD 0.00007; 1000 Genomes Project 0.00040; 1000 Genomes Project 30x 0.00047.

Submission:

Labcorp Genetics (formerly Invitae), Labcorp
Classification: Uncertain significance. Last evaluated: 2024-07-17. Review status: criteria provided, single submitter. Criteria: Invitae Variant Classification Sherloc (09022015). Collection method: clinical testing. Allele origin: germline.
Comment: This sequence change replaces glycine, which is neutral and non-polar, with alanine, which is neutral and non-polar, at codon 247 of the LOR protein (p.Gly247Ala). This variant is present in population databases (rs544428921, gnomAD 0.05%). This variant has not been reported in the literature in individuals affected with LOR-related conditions. ClinVar contains an entry for this variant (Variation ID: 1896901). Experimental studies and prediction algorithms are not available or were not evaluated, and the functional significance of this variant is currently unknown. In summary, the available evidence is currently insufficient to determine the role of this variant in disease. Therefore, it has been classified as a Variant of Uncertain Significance.

NM_000427.3(LORICRIN):c.740G>C (p.Gly247Ala)

Gene: LORICRIN (loricrin cornified envelope precursor protein; plus strand). Cytogenetic location: 1q21.3.
Variant type: single nucleotide variant.
Coding change: c.740G>C on transcript NM_000427.3 (MANE Select); coding-DNA position 740, G replaced by C.
Protein change: p.Gly247Ala; replaces glycine 247 with alanine.
Molecular consequence: missense variant.
Genome position (GRCh38, 1-based): chr1:153,261,689, G>C. VCF-style: chr1-153261689-G-C. GRCh37 (hg19) VCF-style: chr1-153234165-G-C.
Other names: short protein forms G247A.
Identifiers: ClinVar variation 1896901 (VCV001896901.5), dbSNP rs544428921, ClinGen allele CA30649364.
Genomic context (GRCh38, chr1:153,261,689, plus strand): 5'-GGGGGTCGTCCGGCGGCGGCGGCAGCGGCGGAAGCGGCTGCTTCTCCAGCGGCGGGGGCG[G>C]CGGGAGCTCCGGCTGCGGCGGCGGCTCCTCCGGGATTGGCAGCGGCTGCATCATCAGTGG-3'
Protein context (NP_000418.2, residues 237-257): GSGCFSSGGG[Gly247Ala]GSSGCGGGSS